The following is an entry in ClinVar:

NM_201384.3(PLEC):c.12755CCT[3] (p.Ser4255del)

Gene: PLEC (plectin; minus strand). Cytogenetic location: 8q24.3.
Variant type: Microsatellite.
Coding change: c.12755CCT[3] on transcript NM_201384.3 (MANE Select); three copies in a row of the 3-base unit CCT starting at c.12755; the reference has four copies in a row; one copy, 3 bases deleted.
Protein change: p.Ser4255del; deletes serine 4255.
Molecular consequence: inframe deletion. On other transcripts: inframe indel (1).
Genome position (GRCh38, 1-based): chr8:143,917,055-143,917,057, AGG deleted on the plus strand (CCT on the coding strand, the reverse complement: PLEC is on the minus strand); deleting any 3 consecutive bases within chr8:143,917,055-143,917,067 gives the same sequence; the position shown is the placement nearest the transcript's 3' end. VCF-style (leftmost placement, unchanged base first): chr8-143917054-TAGG-T. GRCh37 (hg19) VCF-style: chr8-144991222-TAGG-T.
Other names: c.12836CCT[3], p.Ser4282del (NM_000445.5); c.9454_9456TCC[3], p.Ser3155del (NM_001410941.1); c.12713CCT[3], p.Ser4241del (NM_201378.4); c.12689CCT[3], p.Ser4233del (NM_201379.3); c.13166CCT[3], p.Ser4392del (NM_201380.4); c.12659CCT[3], p.Ser4223del (NM_201381.3); c.12755CCT[3], p.Ser4255del (NM_201382.4); c.12767CCT[3], p.Ser4259del (NM_201383.3); short protein forms S3155del, S4241del, S4255del, S4259del, S4282del, S4392del, S4223del, S4233del.
Identifiers: ClinVar variation 2152147 (VCV002152147.4), dbSNP rs782283579, ClinGen allele CA4923984.

ClinVar aggregate classification (germline): Uncertain significance (1 of 4 stars; one submission).

Conditions:
Epidermolysis bullosa simplex with nail dystrophy (EBS5D). Identifiers: MedGen C4225309, MONDO:0014661, OMIM 616487.
Epidermolysis bullosa simplex 5B, with muscular dystrophy (EBS5B). Also called: EPIDERMOLYSIS BULLOSA SIMPLEX AND LIMB-GIRDLE MUSCULAR DYSTROPHY; Epidermolysis bullosa simplex with muscular dystrophy. Identifiers: Orphanet 257, MedGen C2931072, MONDO:0009181, OMIM 226670.
Epidermolysis bullosa simplex, Ogna type (EBS5A). Also called: Pidermolysis bullosa simplex 5A, Ogna type; EPIDERMOLYSIS BULLOSA SIMPLEX 5A, OGNA TYPE. Identifiers: Orphanet 79401, MedGen C0432317, MONDO:0007555, OMIM 131950.
Autosomal recessive limb-girdle muscular dystrophy type 2Q (LGMDR17). Also called: MUSCULAR DYSTROPHY, LIMB-GIRDLE, AUTOSOMAL RECESSIVE 17. Identifiers: Orphanet 254361, MedGen C3150989, MONDO:0013390, OMIM 613723.
Epidermolysis bullosa simplex 5C, with pyloric atresia (EBS5C). Also called: Epidermolysis bullosa simplex with pyloric atresia; PLEC-Related Epidermolysis Bullosa with Pyloric Atresia; PLEC1-Related Epidermolysis Bullosa with Pyloric Atresia. Identifiers: Orphanet 158684, MedGen C2677349, MONDO:0012807, OMIM 612138.

Submission:

Labcorp Genetics (formerly Invitae), Labcorp
Classification: Uncertain significance for Autosomal recessive limb-girdle muscular dystrophy type 2Q; Epidermolysis bullosa simplex, Ogna type; Epidermolysis bullosa simplex with nail dystrophy; Epidermolysis bullosa simplex 5C, with pyloric atresia; Epidermolysis bullosa simplex 5B, with muscular dystrophy. Last evaluated: 2022-07-03. Review status: criteria provided, single submitter. Criteria: Invitae Variant Classification Sherloc (09022015). Collection method: clinical testing. Allele origin: germline.
Comment: In summary, the available evidence is currently insufficient to determine the role of this variant in disease. Therefore, it has been classified as a Variant of Uncertain Significance. Experimental studies and prediction algorithms are not available or were not evaluated, and the functional significance of this variant is currently unknown. This variant has not been reported in the literature in individuals affected with PLEC-related conditions. This variant is present in population databases (rs782283579, gnomAD 0.005%). This variant, c.12845_12847del, results in the deletion of 1 amino acid(s) of the PLEC protein (p.Ser4282del), but otherwise preserves the integrity of the reading frame.